The following is an entry in ClinVar:

ClinVar aggregate classification (germline): Uncertain significance (1 of 4 stars; one submission).

Conditions:
Hereditary cancer-predisposing syndrome. Also called: Neoplastic Syndromes, Hereditary; Tumor predisposition; Hereditary neoplastic syndrome; Hereditary Cancer Syndrome. Identifiers: Orphanet 140162, MedGen C0027672, MeSH D009386, MONDO:0015356.
Cardiovascular phenotype. Identifiers: MedGen CN230736.

Submission:

Ambry Genetics
Classification: Uncertain significance for Cardiovascular phenotype; Hereditary cancer-predisposing syndrome. Last evaluated: 2025-03-11. Review status: criteria provided, single submitter. Criteria: Ambry Variant Classification Scheme 2023. Collection method: clinical testing. Allele origin: germline.
Comment: The p.R601G variant (also known as c.1801C>G), located in coding exon 16 of the NF1 gene, results from a C to G substitution at nucleotide position 1801. The arginine at codon 601 is replaced by glycine, an amino acid with dissimilar properties. This amino acid position is highly conserved in available vertebrate species. In addition, this alteration is predicted to be deleterious by in silico analysis. Since supporting evidence is limited at this time, the clinical significance of this alteration remains unclear.

NM_001042492.3(NF1):c.1801C>G (p.Arg601Gly)

Gene: NF1 (neurofibromin 1; plus strand). Cytogenetic location: 17q11.2.
Variant type: single nucleotide variant.
Coding change: c.1801C>G on transcript NM_001042492.3 (MANE Select); coding-DNA position 1801, C replaced by G.
Protein change: p.Arg601Gly; replaces arginine 601 with glycine.
Molecular consequence: missense variant.
Genome position (GRCh38, 1-based): chr17:31,223,523, C>G. VCF-style: chr17-31223523-C-G. GRCh37 (hg19) VCF-style: chr17-29550541-C-G.
Other names: c.1801C>G, p.Arg601Gly (NM_000267.4); short protein forms R601G.
Identifiers: ClinVar variation 3238446 (VCV003238446.2), dbSNP rs587782592.